The following is an entry in ClinVar:

NM_001178015.2(SLC4A10):c.858+1G>C

Gene: SLC4A10 (solute carrier family 4 member 10; plus strand). Cytogenetic location: 2q24.2.
Variant type: single nucleotide variant.
Coding change: c.858+1G>C on transcript NM_001178015.2 (MANE Select); the canonical splice donor site of the intron after coding-DNA position 858, G replaced by C.
Molecular consequence: splice donor variant.
Genome position (GRCh38, 1-based): chr2:161,872,385, G>C. VCF-style: chr2-161872385-G-C. GRCh37 (hg19) VCF-style: chr2-162728895-G-C.
Other names: c.894+1G>C (NM_001354461.2, NM_001354447.2, NM_001354460.2 and 1 more transcripts); c.891+1G>C (NM_001354441.2, NM_001354442.2, NM_001178016.2 and 1 more transcripts); c.888+1G>C (NM_001354448.2); c.279+1G>C (NM_001354455.2); c.858+1G>C (NM_001354440.2, NM_022058.4, NM_001354450.2 and 1 more transcripts); c.855+1G>C (NM_001354444.2, NM_001354449.2, NM_001354451.2); c.711+1G>C (NM_001354453.2).
Identifiers: ClinVar variation 2574737 (VCV002574737.3), dbSNP rs752869470, ClinGen allele CA348977069.

ClinVar aggregate classification (germline): Likely pathogenic (1 of 4 stars; one submission).

Submission:

GeneDx
Classification: Likely pathogenic. Last evaluated: 2025-02-06. Review status: criteria provided, single submitter. Criteria: GeneDx Variant Classification Process June 2021. Collection method: clinical testing. Allele origin: germline. Affected: yes.
Comment: Canonical splice site variant predicted to result in a null allele in a gene for which loss of function is a known mechanism of disease; Not observed at significant frequency in large population cohorts (gnomAD); Has not been previously published as pathogenic or benign to our knowledge